The following is an entry in ClinVar:

ClinVar aggregate classification (germline): Likely benign (1 of 4 stars; one submission).

Allele frequency attached by ClinVar (database versions not stated): TOPMed 0.00002; gnomAD exomes 0.00003.
gnomAD v4.1: 30 of 1,212,356 alleles (0.0025%); highest among the groups gnomAD compares: Non-Finnish European, 0.003%; no homozygotes.

Submission:

CeGaT Center for Human Genetics Tuebingen
Classification: Likely benign. Last evaluated: 2024-02-01. Review status: criteria provided, single submitter. Criteria: CeGaT Center For Human Genetics Tuebingen Variant Classification Criteria Version 2. Collection method: clinical testing. Allele origin: germline. Affected: yes. Observed: 1 variant allele.
Comment: MAGEC1: BS2

NM_005462.5(MAGEC1):c.410C>G (p.Ser137Cys)

Gene: MAGEC1 (MAGE family member C1; plus strand). Cytogenetic location: Xq27.2.
Variant type: single nucleotide variant.
Coding change: c.410C>G on transcript NM_005462.5 (MANE Select); coding-DNA position 410, C replaced by G.
Protein change: p.Ser137Cys; replaces serine 137 with cysteine.
Molecular consequence: missense variant.
Genome position (GRCh38, 1-based): chrX:141,905,814, C>G. VCF-style: chrX-141905814-C-G. GRCh37 (hg19) VCF-style: chrX-140993600-C-G.
Other names: short protein forms S137C.
Identifiers: ClinVar variation 3026261 (VCV003026261.22), dbSNP rs374380387, ClinGen allele CA10533076.